The following is an entry in ClinVar:

ClinVar aggregate classification (germline): Benign/Likely benign. Review status: criteria provided, multiple submitters, no conflicts (2 of 4 stars). 2 submissions from 2 submitters: Benign (1); Likely benign (1). Last evaluated 2025-04-10.

Conditions:
Hereditary cancer-predisposing syndrome. Also called: Tumor predisposition; Neoplastic Syndromes, Hereditary; Hereditary Cancer Syndrome; Hereditary neoplastic syndrome. Identifiers: Orphanet 140162, MedGen C0027672, MeSH D009386, MONDO:0015356.
Tuberous sclerosis 1 (TSC1). Identifiers: Orphanet 805, MedGen C1854465, MONDO:0008612, OMIM 191100.

Submissions (2):

Myriad Genetics, Inc.
Classification: Benign for Tuberous sclerosis 1. Last evaluated: 2025-04-10. Review status: criteria provided, single submitter. Criteria: Myriad Autosomal Dominant, Autosomal Recessive and X-Linked Classification Criteria (2023). Collection method: clinical testing. Allele origin: unknown.
Comment: This variant is considered benign. This variant is a silent/synonymous amino acid change and it is not expected to impact splicing.

Ambry Genetics
Classification: Likely benign for Hereditary cancer-predisposing syndrome. Last evaluated: 2022-03-01. Review status: criteria provided, single submitter. Criteria: Ambry Variant Classification Scheme 2023. Collection method: clinical testing. Allele origin: germline.

NM_000368.5(TSC1):c.1587C>T (p.Ala529=)

Gene: TSC1 (TSC complex subunit 1; minus strand). Cytogenetic location: 9q34.13.
Variant type: single nucleotide variant.
Coding change: c.1587C>T on transcript NM_000368.5 (MANE Select); coding-DNA position 1587, C replaced by T.
Protein change: p.Ala529=; no amino-acid change (alanine 529 retained).
Molecular consequence: synonymous variant. On other transcripts: non-coding transcript variant (5).
Genome position (GRCh38, 1-based): chr9:132,905,991, G>A on the plus strand (C>T on the coding strand, the complement: TSC1 is on the minus strand). VCF-style: chr9-132905991-G-A. GRCh37 (hg19) VCF-style: chr9-135781378-G-A.
Other names: c.1584C>T, p.Ala528= (NM_001162426.2, NM_001406597.1, NM_001406598.1 and 6 more transcripts); c.1434C>T, p.Ala478= (NM_001162427.2, NM_001406610.1); c.1224C>T, p.Ala408= (NM_001362177.2, NM_001406614.1, NM_001406615.1 and 5 more transcripts); c.1587C>T, p.Ala529= (NM_001406592.1, NM_001406593.1, NM_001406594.1 and 7 more transcripts); c.1431C>T, p.Ala477= (NM_001406611.1, NM_001406612.1, NM_001406613.1); c.1221C>T, p.Ala407= (NM_001406620.1, NM_001406621.1, NM_001406622.1 and 2 more transcripts); c.636C>T, p.Ala212= (NM_001406626.1); c.633C>T, p.Ala211= (NM_001406627.1, NM_001406628.1); and 1 more.
Identifiers: ClinVar variation 1775825 (VCV001775825.3), dbSNP rs2131839875, ClinGen allele CA467590926.